The following is an entry in ClinVar:

ClinVar aggregate classification (germline): Pathogenic/Likely pathogenic. Review status: criteria provided, multiple submitters, no conflicts (2 of 4 stars). 2 submissions from 2 submitters: Pathogenic (1); Likely pathogenic (1). Last evaluated 2025-08-29.

Conditions:
Transcobalamin II deficiency (TCN2D). Also called: Transcolabamin II deficiency; TC II DEFICIENCY; TCN2 DEFICIENCY. Identifiers: Orphanet 859, MedGen C0342701, MONDO:0010149, OMIM 275350.

Allele frequency attached by ClinVar (database versions not stated): gnomAD exomes 0.00001.
gnomAD v4.1: 4 of 1,614,128 alleles (0.00025%); highest among the groups gnomAD compares: Non-Finnish European, 0.00034%; no homozygotes.

Submissions (2):

Labcorp Genetics (formerly Invitae), Labcorp
Classification: Pathogenic for Transcobalamin II deficiency. Last evaluated: 2025-08-29. Review status: criteria provided, single submitter. Criteria: Invitae Variant Classification Sherloc (09022015). Collection method: clinical testing. Allele origin: germline.
Comment: This sequence change creates a premature translational stop signal (p.Gly367*) in the TCN2 gene. It is expected to result in an absent or disrupted protein product. Loss-of-function variants in TCN2 are known to be pathogenic (PMID: 7980584, 20352340). This variant is present in population databases (no rsID available, gnomAD 0.002%). This variant has not been reported in the literature in individuals affected with TCN2-related conditions. ClinVar contains an entry for this variant (Variation ID: 376962). For these reasons, this variant has been classified as Pathogenic.

Center for Pediatric Genomic Medicine, Children's Mercy Hospital and Clinics
Classification: Likely pathogenic. Last evaluated: 2016-10-10. Review status: criteria provided, single submitter. Criteria: ACMG Guidelines, 2015. Collection method: clinical testing. Allele origin: germline.

Literature cited by the submitters: PubMed 7980584 (cited by Labcorp Genetics (formerly Invitae), Labcorp); PubMed 20352340 (cited by Labcorp Genetics (formerly Invitae), Labcorp).

NM_000355.4(TCN2):c.1099G>T (p.Gly367Ter)

Gene: TCN2 (transcobalamin 2; plus strand). Cytogenetic location: 22q12.2.
Variant type: single nucleotide variant.
Coding change: c.1099G>T on transcript NM_000355.4 (MANE Select); coding-DNA position 1099, G replaced by T.
Protein change: p.Gly367Ter; replaces glycine 367 with a stop codon.
Molecular consequence: nonsense.
Genome position (GRCh38, 1-based): chr22:30,617,488, G>T. VCF-style: chr22-30617488-G-T. GRCh37 (hg19) VCF-style: chr22-31013475-G-T.
Other names: c.1018G>T, p.Gly340Ter (NM_001184726.2); short protein forms G367*, G340*.
Identifiers: ClinVar variation 376962 (VCV000376962.5), dbSNP rs1057520098, ClinGen allele CA16603221.
Genomic context (GRCh38, chr22:30,617,488, plus strand): 5'-ATCTCTGTTCTGGCCGGGTCCACCGTGGAAGATGTCCTGAAGAAGGCCCATGAGTTAGGA[G>T]GATTCACGTGAGACTCCCACCTCCCAGTCCTCACCCCACCCAACCTCACATGCCTGATAA-3'